The following is an entry in ClinVar:

ClinVar aggregate classification (germline): Benign (1 of 4 stars; one submission).

Submission:

CeGaT Center for Human Genetics Tuebingen
Classification: Benign. Last evaluated: 2022-08-01. Review status: criteria provided, single submitter. Criteria: CeGaT Center For Human Genetics Tuebingen Variant Classification Criteria Version 2. Collection method: clinical testing. Allele origin: germline. Affected: yes. Observed: 1 variant allele.
Comment: GRIN2A: BS1, BS2

NM_001134407.3(GRIN2A):c.*119TTG[5]

Gene: GRIN2A (glutamate ionotropic receptor NMDA type subunit 2A; minus strand). Cytogenetic location: 16p13.2.
Variant type: Microsatellite.
Coding change: c.*119TTG[5] on transcript NM_001134407.3 (MANE Select); five copies in a row of the 3-base unit TTG starting at c.*119; the reference has six copies in a row; one copy, 3 bases deleted.
Molecular consequence: 3 prime UTR variant.
Genome position (GRCh38, 1-based): chr16:9,763,013-9,763,015, CAA deleted on the plus strand (TTG on the coding strand, the reverse complement: GRIN2A is on the minus strand); deleting any 3 consecutive bases within chr16:9,763,013-9,763,030 gives the same sequence; the position shown is the placement nearest the transcript's 3' end. VCF-style (leftmost placement, unchanged base first): chr16-9763012-CCAA-C. GRCh37 (hg19) VCF-style: chr16-9856869-CCAA-C.
Other names: c.*119TTG[5] (NM_000833.5); c.*325TTG[5] (NM_001134408.2).
Identifiers: ClinVar variation 2646194 (VCV002646194.24), dbSNP rs146199312, ClinGen allele CA277535586.